The following is an entry in ClinVar:

NM_001032283.3(TMPO):c.565+1494G>A

Gene: TMPO (thymopoietin; plus strand). Cytogenetic location: 12q23.1.
Variant type: single nucleotide variant.
Coding change: c.565+1494G>A on transcript NM_001032283.3 (MANE Select); 1494 bases into the intron after coding-DNA position 565, G replaced by A.
Molecular consequence: intron variant. On other transcripts: missense variant (1).
Genome position (GRCh38, 1-based): chr12:98,533,332, G>A. VCF-style: chr12-98533332-G-A. GRCh37 (hg19) VCF-style: chr12-98927110-G-A.
Other names: c.1075G>A, p.Ala359Thr (NM_003276.2); c.565+1494G>A (NM_001307975.2, NM_001032284.3); short protein forms A359T.
Identifiers: ClinVar variation 3253562 (VCV003253562.1), dbSNP rs1348449396.
Genomic context (GRCh38, chr12:98,533,332, plus strand): 5'-CCATTATGTCCTGAGAGGTCCCATATTTCAGATCAATCGCCTCTCTCCAGTAAAAGGAAA[G>A]CACTAGAAGAGTCTGAGAGCTCACAACTAATTTCTCCGCCACTTGCCCAGGCAATCAGAG-3'

ClinVar aggregate classification (germline): Uncertain significance (1 of 4 stars; one submission).

Allele frequency attached by ClinVar (database versions not stated): gnomAD 0.00001; TOPMed 0.00001.
gnomAD v4.1: 1 of 1,614,080 alleles (0.000062%); highest among the groups gnomAD compares: Admixed American, 0.0017%; no homozygotes.

Submission:

GeneDx
Classification: Uncertain significance. Last evaluated: 2023-12-12. Review status: criteria provided, single submitter. Criteria: GeneDx Variant Classification Process June 2021. Collection method: clinical testing. Allele origin: germline. Affected: yes.
Comment: Has not been previously published as pathogenic or benign to our knowledge; Not observed at significant frequency in large population cohorts (gnomAD); In silico analysis supports that this missense variant does not alter protein structure/function